The following is an entry in ClinVar:

ClinVar aggregate classification (germline): Pathogenic. Review status: criteria provided, single submitter (1 of 4 stars). 2 submissions from 1 submitter: Pathogenic (1). 1 of the submissions does not count toward it. Last evaluated 2018-01-13.

Conditions:
Beckwith-Wiedemann syndrome (BWS). Also called: EMG SYNDROME; Exomphalos macroglossia gigantism syndrome. Identifiers: Orphanet 116, MedGen C0004903, MONDO:0007534, OMIM 130650.

Submissions (2):

Labcorp Genetics (formerly Invitae), Labcorp
Classification: Pathogenic. Last evaluated: 2018-01-13. Review status: criteria provided, single submitter. Criteria: Invitae Variant Classification Sherloc (09022015). Collection method: clinical testing. Allele origin: germline.
Comment: For these reasons, this variant has been classified as Pathogenic. Loss-of-function variants in NSD1 are known to be pathogenic (PMID: 12464997, 14571271, 15942875, 16247291). This variant has not been reported in the literature in individuals with NSD1-related disease. This variant is not present in population databases (ExAC no frequency). This sequence change creates a premature translational stop signal (p.Tyr69*) in the NSD1 gene. It is expected to result in an absent or disrupted protein product.

Labcorp Genetics (formerly Invitae), Labcorp
Classification: Pathogenic for Beckwith-Wiedemann syndrome. Last evaluated: 2018-04-13. Review status: flagged submission. Criteria: Invitae Variant Classification Sherloc (09022015). Collection method: clinical testing. Allele origin: germline. Not counted in ClinVar's aggregate classification.
Comment: This sequence change creates a premature translational stop signal (p.Tyr69*) in the NSD1 gene. It is expected to result in an absent or disrupted protein product. This variant is not present in population databases (ExAC no frequency). This variant has not been reported in the literature in individuals with NSD1-related disease. Loss-of-function variants in NSD1 are known to be pathogenic (PMID: 12464997, 14571271, 15942875, 16247291). For these reasons, this variant has been classified as Pathogenic.
ClinVar note: Reason: This record appears to be redundant with a more recent record from the same submitter.
ClinVar note: Notes: SCV000825704 appears to be redundant with SCV001581801.

Literature cited by the submitters: PubMed 12464997; PubMed 14571271; PubMed 15942875; PubMed 16247291.

NM_022455.5(NSD1):c.207C>A (p.Tyr69Ter)

Gene: NSD1 (nuclear receptor binding SET domain protein 1; plus strand). Cytogenetic location: 5q35.3.
Variant type: single nucleotide variant.
Coding change: c.207C>A on transcript NM_022455.5 (MANE Select); coding-DNA position 207, C replaced by A.
Protein change: p.Tyr69Ter; replaces tyrosine 69 with a stop codon.
Molecular consequence: nonsense. On other transcripts: intron variant (7).
Genome position (GRCh38, 1-based): chr5:177,135,310, C>A. VCF-style: chr5-177135310-C-A. GRCh37 (hg19) VCF-style: chr5-176562311-C-A.
Other names: c.207C>A, p.Tyr69Ter (NM_001409301.1, NM_001409302.1, NM_001409303.1 and 1 more transcripts); c.-37+110C>A (NM_001409305.1, NM_001409306.1, NM_001409308.1 and 4 more transcripts); short protein forms Y69*.
Identifiers: ClinVar variation 575024 (VCV000575024.7), dbSNP rs1562097849, ClinGen allele CA362291622.